The following is an entry in ClinVar:

NM_001370259.2(MEN1):c.215C>A (p.Pro72His)

Gene: MEN1 (menin 1; minus strand). Cytogenetic location: 11q13.1.
Variant type: single nucleotide variant.
Coding change: c.215C>A on transcript NM_001370259.2 (MANE Select); coding-DNA position 215, C replaced by A.
Protein change: p.Pro72His; replaces proline 72 with histidine.
Molecular consequence: missense variant.
Genome position (GRCh38, 1-based): chr11:64,809,895, G>T on the plus strand (C>A on the coding strand, the complement: MEN1 is on the minus strand). VCF-style: chr11-64809895-G-T. GRCh37 (hg19) VCF-style: chr11-64577367-G-T.
Other names: c.215C>A, p.Pro72His (NM_001370260.2, NM_000244.4, NM_001370251.2 and 9 more transcripts); short protein forms P72H.
Identifiers: ClinVar variation 573444 (VCV000573444.13), dbSNP rs878856863, ClinGen allele CA223917141.

ClinVar aggregate classification (germline): Uncertain significance. Review status: criteria provided, multiple submitters, no conflicts (2 of 4 stars). 3 submissions from 3 submitters: Uncertain significance (3). Last evaluated 2025-03-16.

Conditions:
Hereditary cancer-predisposing syndrome. Also called: Hereditary neoplastic syndrome; Neoplastic Syndromes, Hereditary; Hereditary Cancer Syndrome; Tumor predisposition. Identifiers: Orphanet 140162, MedGen C0027672, MeSH D009386, MONDO:0015356.
Multiple endocrine neoplasia, type 1 (MEN1). Also called: WERMER SYNDROME; Endocrine adenomatosis multiple; MEN 1; MEA I; MEN I. Identifiers: Orphanet 652, MedGen C0025267, MeSH D018761, MONDO:0007540, OMIM 131100.

Allele frequency attached by ClinVar (database versions not stated): gnomAD exomes below 0.00001; gnomAD 0.00003; TOPMed 0.00003.
gnomAD v4.1: 6 of 1,593,644 alleles (0.00038%); highest among the groups gnomAD compares: African/African-American, 0.0054%; no homozygotes.

Submissions (3):

Labcorp Genetics (formerly Invitae), Labcorp
Classification: Uncertain significance for Multiple endocrine neoplasia, type 1. Last evaluated: 2025-03-16. Review status: criteria provided, single submitter. Criteria: Invitae Variant Classification Sherloc (09022015). Collection method: clinical testing. Allele origin: germline.
Comment: This sequence change replaces proline, which is neutral and non-polar, with histidine, which is basic and polar, at codon 72 of the MEN1 protein (p.Pro72His). This variant is not present in population databases (gnomAD no frequency). This missense change has been observed in individual(s) with multiple endocrine neoplasia type 1 (PMID: 23334809). ClinVar contains an entry for this variant (Variation ID: 573444). Invitae Evidence Modeling of protein sequence and biophysical properties (such as structural, functional, and spatial information, amino acid conservation, physicochemical variation, residue mobility, and thermodynamic stability) indicates that this missense variant is expected to disrupt MEN1 protein function with a positive predictive value of 95%. In summary, the available evidence is currently insufficient to determine the role of this variant in disease. Therefore, it has been classified as a Variant of Uncertain Significance.

Baylor Genetics
Classification: Uncertain significance for Multiple Endocrine Neoplasia Type 1. Last evaluated: 2024-03-22. Review status: criteria provided, single submitter. Criteria: ACMG Guidelines, 2015. Collection method: clinical testing. Allele origin: unknown.

Ambry Genetics
Classification: Uncertain significance for Hereditary cancer-predisposing syndrome. Last evaluated: 2022-06-01. Review status: criteria provided, single submitter. Criteria: Ambry Variant Classification Scheme 2023. Collection method: clinical testing. Allele origin: germline.
Comment: The p.P72H variant (also known as c.215C>A), located in coding exon 1 of the MEN1 gene, results from a C to A substitution at nucleotide position 215. The proline at codon 72 is replaced by histidine, an amino acid with similar properties. This nucleotide position is highly conserved in available vertebrate species. In addition, the in silico prediction for this alteration is inconclusive. Since supporting evidence is limited at this time, the clinical significance of this alteration remains unclear.

Literature cited by the submitters: PubMed 23334809 (cited by Labcorp Genetics (formerly Invitae), Labcorp).